The following is an entry in ClinVar:

NM_024529.5(CDC73):c.1222A>G (p.Arg408Gly)

Gene: CDC73 (cell division cycle 73; plus strand). Cytogenetic location: 1q31.2.
Variant type: single nucleotide variant.
Coding change: c.1222A>G on transcript NM_024529.5 (MANE Select); coding-DNA position 1222, A replaced by G.
Protein change: p.Arg408Gly; replaces arginine 408 with glycine.
Molecular consequence: missense variant.
Genome position (GRCh38, 1-based): chr1:193,233,060, A>G. VCF-style: chr1-193233060-A-G. GRCh37 (hg19) VCF-style: chr1-193202190-A-G.
Other names: short protein forms R408G.
Identifiers: ClinVar variation 843755 (VCV000843755.11), dbSNP rs1677688718, ClinGen allele CA344077860.
Genomic context (GRCh38, chr1:193,233,060, plus strand): 5'-CCATCAGATGAAAAGAAGAAACAAGGTTGTCAACGAGAAAATGAAACTCTAATACAAAGA[A>G]GAAAAGACCAGATGCAACCAGGGGGCACTGCAATTAGTGTTACAGTACCTTATAGAGTAG-3'
Protein context (NP_078805.3, residues 398-418): QRENETLIQR[Arg408Gly]KDQMQPGGTA

ClinVar aggregate classification (germline): Uncertain significance. Review status: criteria provided, multiple submitters, no conflicts (2 of 4 stars). 2 submissions from 2 submitters: Uncertain significance (2). Last evaluated 2025-07-03.

Conditions:
Hereditary cancer-predisposing syndrome. Also called: Hereditary Cancer Syndrome; Hereditary neoplastic syndrome; Tumor predisposition; Neoplastic Syndromes, Hereditary. Identifiers: Orphanet 140162, MedGen C0027672, MeSH D009386, MONDO:0015356.
Parathyroid carcinoma (PRTC). Also called: Parathyroid gland carcinoma; CDC73-Related Parathyroid Carcinoma. Identifiers: Orphanet 143, MedGen C0687150, MONDO:0012004, OMIM 608266, HP:0006780.

Submissions (2):

Ambry Genetics
Classification: Uncertain significance for Hereditary cancer-predisposing syndrome. Last evaluated: 2025-07-03. Review status: criteria provided, single submitter. Criteria: Ambry Variant Classification Scheme 2023. Collection method: clinical testing. Allele origin: germline.
Comment: The p.R408G variant (also known as c.1222A>G), located in coding exon 14 of the CDC73 gene, results from an A to G substitution at nucleotide position 1222. The arginine at codon 408 is replaced by glycine, an amino acid with dissimilar properties. This amino acid position is conserved. In addition, this alteration is predicted to be deleterious by in silico analysis. Based on the available evidence, the clinical significance of this variant remains unclear.

Labcorp Genetics (formerly Invitae), Labcorp
Classification: Uncertain significance for Parathyroid carcinoma. Last evaluated: 2019-11-25. Review status: criteria provided, single submitter. Criteria: Invitae Variant Classification Sherloc (09022015). Collection method: clinical testing. Allele origin: germline.
Comment: This variant is not present in population databases (ExAC no frequency). In summary, the available evidence is currently insufficient to determine the role of this variant in disease. Therefore, it has been classified as a Variant of Uncertain Significance. Algorithms developed to predict the effect of missense changes on protein structure and function are either unavailable or do not agree on the potential impact of this missense change (SIFT: "Tolerated"; PolyPhen-2: "Possibly Damaging"; Align-GVGD: "Class C0"). This variant has not been reported in the literature in individuals with CDC73-related conditions. This sequence change replaces arginine with glycine at codon 408 of the CDC73 protein (p.Arg408Gly). The arginine residue is moderately conserved and there is a moderate physicochemical difference between arginine and glycine.